The following is an entry in ClinVar:

NM_002788.4(PSMA3):c.185G>T (p.Gly62Val)

Gene: PSMA3 (proteasome 20S subunit alpha 3; plus strand). Cytogenetic location: 14q23.1.
Variant type: single nucleotide variant.
Coding change: c.185G>T on transcript NM_002788.4 (MANE Select); coding-DNA position 185, G replaced by T.
Protein change: p.Gly62Val; replaces glycine 62 with valine.
Molecular consequence: missense variant. On other transcripts: non-coding transcript variant (1).
Genome position (GRCh38, 1-based): chr14:58,252,199, G>T. VCF-style: chr14-58252199-G-T. GRCh37 (hg19) VCF-style: chr14-58718917-G-T.
Other names: c.185G>T, p.Gly62Val (NM_152132.3); short protein forms G62V.
Identifiers: ClinVar variation 1524590 (VCV001524590.8), dbSNP rs757819992, ClinGen allele CA389847703.

ClinVar aggregate classification (germline): Uncertain significance (1 of 4 stars; one submission).

Submission:

Labcorp Genetics (formerly Invitae), Labcorp
Classification: Uncertain significance. Last evaluated: 2021-04-09. Review status: criteria provided, single submitter. Criteria: Invitae Variant Classification Sherloc (09022015). Collection method: clinical testing. Allele origin: germline.
Comment: This sequence change replaces glycine with valine at codon 62 of the PSMA3 protein (p.Gly62Val). The glycine residue is moderately conserved and there is a moderate physicochemical difference between glycine and valine. In summary, the available evidence is currently insufficient to determine the role of this variant in disease. Therefore, it has been classified as a Variant of Uncertain Significance. Algorithms developed to predict the effect of missense changes on protein structure and function are either unavailable or do not agree on the potential impact of this missense change (SIFT: "Deleterious"; PolyPhen-2: "Possibly Damaging"; Align-GVGD: "Class C0"). This variant has not been reported in the literature in individuals with PSMA3-related conditions. This variant is not present in population databases (ExAC no frequency).